The following is an entry in ClinVar:

NM_003477.3(PDHX):c.22G>T (p.Gly8Cys)

Genes: PDHX (pyruvate dehydrogenase complex component X; plus strand), LOC130005549 (ATAC-STARR-seq lymphoblastoid active region 4608; plus strand). Cytogenetic location: 11p13.
Variant type: single nucleotide variant.
Coding change: c.22G>T on transcript NM_003477.3 (MANE Select); coding-DNA position 22, G replaced by T.
Protein change: p.Gly8Cys; replaces glycine 8 with cysteine.
Molecular consequence: missense variant. On other transcripts: intron variant (1).
Genome position (GRCh38, 1-based): chr11:34,916,677, G>T. VCF-style: chr11-34916677-G-T. GRCh37 (hg19) VCF-style: chr11-34938224-G-T.
Other names: c.22G>T (NM_003477.2); c.-21+191G>T (NM_001135024.2); c.22G>T, p.Gly8Cys (NM_001166158.2); short protein forms G8C.
Identifiers: ClinVar variation 1368844 (VCV001368844.8), dbSNP rs778248643, ClinGen allele CA5945716.

ClinVar aggregate classification (germline): Uncertain significance. Review status: criteria provided, multiple submitters, no conflicts (2 of 4 stars). 4 submissions from 4 submitters: Uncertain significance (4). Last evaluated 2025-08-23.

Conditions:
Inborn genetic diseases. Identifiers: MedGen C0950123, MeSH D030342.

Allele frequency attached by ClinVar (database versions not stated): gnomAD 0.00001 and 0.00002; TOPMed 0.00002; gnomAD exomes 0.00005 and 0.00008; ExAC 0.00009.
gnomAD v4.1: 83 of 1,611,250 alleles (0.0052%); highest among the groups gnomAD compares: South Asian, 0.059%; 1 homozygote.

Submissions (4):

Ambry Genetics
Classification: Uncertain significance for Inborn genetic diseases. Last evaluated: 2025-08-23. Review status: criteria provided, single submitter. Criteria: Ambry Variant Classification Scheme 2023. Collection method: clinical testing. Allele origin: germline.

Women's Health and Genetics/Laboratory Corporation of America, LabCorp
Classification: Uncertain significance. Last evaluated: 2025-03-17. Review status: criteria provided, single submitter. Criteria: LabCorp Variant Classification Summary - May 2015. Collection method: clinical testing. Allele origin: germline.
Comment: Variant summary: PDHX c.22G>T (p.Gly8Cys) results in a non-conservative amino acid change in the encoded protein sequence. Four of five in-silico tools predict a damaging effect of the variant on protein function. The variant allele was found at a frequency of 8.5e-05 in 248432 control chromosomes. This frequency is not significantly higher than estimated for a pathogenic variant in PDHX causing Pyruvate Dehydrogenase E3-Binding Protein Deficiency (8.5e-05 vs 0.0011), allowing no conclusion about variant significance. To our knowledge, no occurrence of c.22G>T in individuals affected with Pyruvate Dehydrogenase E3-Binding Protein Deficiency and no experimental evidence demonstrating its impact on protein function have been reported. ClinVar contains an entry for this variant (Variation ID: 1368844). Based on the evidence outlined above, the variant was classified as uncertain significance.

GeneDx
Classification: Uncertain significance. Last evaluated: 2024-12-26. Review status: criteria provided, single submitter. Criteria: GeneDx Variant Classification Process June 2021. Collection method: clinical testing. Allele origin: germline. Affected: yes.
Comment: In silico analysis supports that this missense variant has a deleterious effect on protein structure/function; Has not been previously published as pathogenic or benign to our knowledge

Labcorp Genetics (formerly Invitae), Labcorp
Classification: Uncertain significance. Last evaluated: 2021-10-03. Review status: criteria provided, single submitter. Criteria: Invitae Variant Classification Sherloc (09022015). Collection method: clinical testing. Allele origin: germline.
Comment: This sequence change replaces glycine with cysteine at codon 8 of the PDHX protein (p.Gly8Cys). The glycine residue is weakly conserved and there is a large physicochemical difference between glycine and cysteine. This variant is present in population databases (rs778248643, ExAC 0.04%). This variant has not been reported in the literature in individuals affected with PDHX-related conditions. Algorithms developed to predict the effect of missense changes on protein structure and function are either unavailable or do not agree on the potential impact of this missense change (SIFT: "Tolerated"; PolyPhen-2: "Probably Damaging"; Align-GVGD: "Class C0"). In summary, the available evidence is currently insufficient to determine the role of this variant in disease. Therefore, it has been classified as a Variant of Uncertain Significance.